The following is an entry in ClinVar:

ClinVar aggregate classification (germline): Uncertain significance (1 of 4 stars; one submission).

gnomAD v4.1: 1 of 1,589,606 alleles (0.000063%); highest among the groups gnomAD compares: Non-Finnish European, 0.000086%; no homozygotes.

Submission:

CeGaT Center for Human Genetics Tuebingen
Classification: Uncertain significance. Last evaluated: 2024-09-01. Review status: criteria provided, single submitter. Criteria: CeGaT Center For Human Genetics Tuebingen Variant Classification Criteria Version 2. Collection method: clinical testing. Allele origin: germline. Affected: yes. Observed: 1 variant allele.
Comment: VCP: PM2, PP2

NM_007126.5(VCP):c.*55G>A

Gene: VCP (valosin containing protein; minus strand). Cytogenetic location: 9p13.3.
Variant type: single nucleotide variant.
Coding change: c.*55G>A on transcript NM_007126.5 (MANE Select); 55 bases downstream of the stop codon, G replaced by A.
Molecular consequence: 3 prime UTR variant.
Genome position (GRCh38, 1-based): chr9:35,057,062, C>T on the plus strand (G>A on the coding strand, the complement: VCP is on the minus strand). VCF-style: chr9-35057062-C-T. GRCh37 (hg19) VCF-style: chr9-35057059-C-T.
Other names: c.*55G>A (NM_001354927.2, NM_001354928.2).
Identifiers: ClinVar variation 3389499 (VCV003389499.14).